The following is an entry in ClinVar:

NM_032271.3(TRAF7):c.1889T>C (p.Met630Thr)

Gene: TRAF7 (TNF receptor associated factor 7; plus strand). Cytogenetic location: 16p13.3.
Variant type: single nucleotide variant.
Coding change: c.1889T>C on transcript NM_032271.3 (MANE Select); coding-DNA position 1889, T replaced by C.
Protein change: p.Met630Thr; replaces methionine 630 with threonine.
Molecular consequence: missense variant.
Genome position (GRCh38, 1-based): chr16:2,176,275, T>C. VCF-style: chr16-2176275-T-C. GRCh37 (hg19) VCF-style: chr16-2226276-T-C.
Other names: short protein forms M630T.
Identifiers: ClinVar variation 4537906 (VCV004537906.1).

ClinVar aggregate classification (germline): Uncertain significance (1 of 4 stars; one submission).

Submission:

GeneDx
Classification: Uncertain significance. Last evaluated: 2025-06-10. Review status: criteria provided, single submitter. Criteria: GeneDx Variant Classification Process June 2021. Collection method: clinical testing. Allele origin: germline. Affected: yes.
Comment: Not observed at significant frequency in large population cohorts (gnomAD); In silico analysis supports that this missense variant has a deleterious effect on protein structure/function; Has not been previously published as pathogenic or benign to our knowledge